The following is an entry in ClinVar:

NM_001101362.3(KBTBD13):c.442T>C (p.Tyr148His)

Gene: KBTBD13 (kelch repeat and BTB domain containing 13; plus strand). Cytogenetic location: 15q22.31.
Variant type: single nucleotide variant.
Coding change: c.442T>C on transcript NM_001101362.3 (MANE Select); coding-DNA position 442, T replaced by C.
Protein change: p.Tyr148His; replaces tyrosine 148 with histidine.
Molecular consequence: missense variant.
Genome position (GRCh38, 1-based): chr15:65,077,257, T>C. VCF-style: chr15-65077257-T-C. GRCh37 (hg19) VCF-style: chr15-65369595-T-C.
Other names: short protein forms Y148H.
Identifiers: ClinVar variation 3626625 (VCV003626625.2).

ClinVar aggregate classification (germline): Uncertain significance (1 of 4 stars; one submission).

Conditions:
Nemaline myopathy 6 (NEM6). Also called: Nemaline myopathy 6, autosomal dominant. Identifiers: Orphanet 171439, MedGen C1836472, MONDO:0012237, OMIM 609273.

Submission:

Labcorp Genetics (formerly Invitae), Labcorp
Classification: Uncertain significance for Nemaline myopathy 6. Last evaluated: 2024-04-03. Review status: criteria provided, single submitter. Criteria: Invitae Variant Classification Sherloc (09022015). Collection method: clinical testing. Allele origin: germline.
Comment: This sequence change replaces tyrosine, which is neutral and polar, with histidine, which is basic and polar, at codon 148 of the KBTBD13 protein (p.Tyr148His). This variant is not present in population databases (gnomAD no frequency). This variant has not been reported in the literature in individuals affected with KBTBD13-related conditions. Advanced modeling of protein sequence and biophysical properties (such as structural, functional, and spatial information, amino acid conservation, physicochemical variation, residue mobility, and thermodynamic stability) performed at Invitae indicates that this missense variant is not expected to disrupt KBTBD13 protein function with a negative predictive value of 80%. In summary, the available evidence is currently insufficient to determine the role of this variant in disease. Therefore, it has been classified as a Variant of Uncertain Significance.